The following is an entry in ClinVar:

ClinVar aggregate classification (germline): Conflicting classifications of pathogenicity. Review status: criteria provided, conflicting classifications (1 of 4 stars). 6 submissions from 6 submitters: Pathogenic (1); Likely pathogenic (3); Uncertain significance (2). Last evaluated 2026-04-03.

Conditions:
Galactosylceramide beta-galactosidase deficiency. Also called: Leukodystrophy, Globoid Cell; GALC DEFICIENCY; GLOBOID CELL LEUKOENCEPHALOPATHY; Krabbe Disease; GALACTOCEREBROSIDASE DEFICIENCY. Identifiers: Orphanet 487, MedGen C0023521, MONDO:0009499, OMIM 245200.

Allele frequency attached by ClinVar (database versions not stated): TOPMed below 0.00001; gnomAD 0.00001.
gnomAD v4.1: 5 of 1,574,232 alleles (0.00032%); highest among the groups gnomAD compares: East Asian, 0.0023%; no homozygotes.

Submissions (6):

Women's Health and Genetics/Laboratory Corporation of America, LabCorp
Classification: Likely pathogenic for Galactosylceramide beta-galactosidase deficiency. Last evaluated: 2026-04-03. Review status: criteria provided, single submitter. Criteria: LabCorp Variant Classification Summary - May 2015. Collection method: clinical testing. Allele origin: germline.
Comment: Variant summary: GALC c.1244G>A (p.Gly415Glu) results in a non-conservative amino acid change in the encoded protein sequence. Algorithms developed to predict the effect of missense changes on protein structure and function all suggest that this variant is likely to be disruptive, which is supported by internally developed computational models. The frequency data for this variant in gnomAD is considered unreliable, as metrics indicate poor data quality at this position. c.1244G>A has been observed in individual(s) affected with Galactosylceramide beta-galactosidase deficiency (Wang_2019). To our knowledge, no experimental evidence demonstrating an impact on protein function has been reported. The following publication has been ascertained in the context of this evaluation (PMID: 31400137). ClinVar contains an entry for this variant (Variation ID: 1334157). Based on the evidence outlined above, the variant was classified as likely pathogenic.

Natera, Inc.
Classification: Likely pathogenic for Galactosylceramide beta-galactosidase deficiency. Last evaluated: 2025-08-07. Review status: criteria provided, single submitter. Criteria: Natera Variant Classification Schema (03/2026). Collection method: clinical testing. Allele origin: germline.
Comment: The c.1244G>A variant in GALC is a missense variant predicted to cause substitution of glycine to glutamic acid at amino acid 415. This variant is rare in the general population with a frequency below the threshold expected for the associated phenotype(s). This variant has been observed in one or more individuals affected with the associated recessive disease, as either homozygous or compound heterozygous with a second variant (PMID: 32763824). This variant has been identified in one or more affected individuals with a phenotype highly consistent with the associated gene (PMID: 32763824). Computational prediction algorithms indicate this variant is likely to affect gene or protein function. Given the available evidence, this variant is classified as Likely Pathogenic.

Blueprint Genetics
Classification: Uncertain significance. Last evaluated: 2024-03-11. Review status: criteria provided, single submitter. Criteria: ACMG Guidelines, 2015. Collection method: clinical testing. Allele origin: germline.

Labcorp Genetics (formerly Invitae), Labcorp
Classification: Pathogenic for Galactosylceramide beta-galactosidase deficiency. Last evaluated: 2023-09-03. Review status: criteria provided, single submitter. Criteria: Invitae Variant Classification Sherloc (09022015). Collection method: clinical testing. Allele origin: germline.
Comment: This missense change has been observed in individual(s) with Krabbe disease (PMID: 31400137). In at least one individual the data is consistent with being in trans (on the opposite chromosome) from a pathogenic variant. This variant is not present in population databases (gnomAD no frequency). This sequence change replaces glycine, which is neutral and non-polar, with glutamic acid, which is acidic and polar, at codon 415 of the GALC protein (p.Gly415Glu). ClinVar contains an entry for this variant (Variation ID: 1334157). For these reasons, this variant has been classified as Pathogenic. Advanced modeling of protein sequence and biophysical properties (such as structural, functional, and spatial information, amino acid conservation, physicochemical variation, residue mobility, and thermodynamic stability) performed at Invitae indicates that this missense variant is expected to disrupt GALC protein function.

Myriad Genetics, Inc.
Classification: Uncertain significance for Galactosylceramide beta-galactosidase deficiency. Last evaluated: 2021-11-08. Review status: criteria provided, single submitter. Criteria: Myriad Women's Health Autosomal Recessive and X-Linked Classification Criteria (2021). Collection method: clinical testing. Allele origin: unknown.
Comment: NM_000153.3(GALC):c.1244G>A(G415E) is a missense variant classified as a variant of uncertain significance in the context of Krabbe disease. G415E has been observed in cases with relevant disease (PMID: 31400137). Functional assessments of this variant are not available in the literature. G415E has not been observed in population frequency databases. In summary, there is insufficient evidence to classify NM_000153.3(GALC):c.1244G>A(G415E) as pathogenic or benign. Please note: this variant was assessed in the context of healthy population screening.

Juno Genomics, Hangzhou Juno Genomics, Inc
Classification: Likely pathogenic for Galactosylceramide beta-galactosidase deficiency. Review status: criteria provided, single submitter. Criteria: ACMG Guidelines, 2015. Collection method: clinical testing. Allele origin: germline.
Comment: Absent from controls (or at extremely low frequency if recessive) in Genome Aggregation Database.;Multiple lines of computational evidence support a deleterious effect on the gene or gene product.;For recessive disorders, detected in trans with a pathogenic variant.;Patient's phenotype or family history is highly specific for a disease with a single genetic etiology.

Literature cited by the submitters: PubMed 31400137 (cited by 3 submitters); PubMed 32763824 (cited by Natera, Inc.).

NM_000153.4(GALC):c.1244G>A (p.Gly415Glu)

Gene: GALC (galactosylceramidase; minus strand). Cytogenetic location: 14q31.3.
Variant type: single nucleotide variant.
Coding change: c.1244G>A on transcript NM_000153.4 (MANE Select); coding-DNA position 1244, G replaced by A.
Protein change: p.Gly415Glu; replaces glycine 415 with glutamic acid.
Molecular consequence: missense variant.
Genome position (GRCh38, 1-based): chr14:87,950,666, C>T on the plus strand (G>A on the coding strand, the complement: GALC is on the minus strand). VCF-style: chr14-87950666-C-T. GRCh37 (hg19) VCF-style: chr14-88417010-C-T.
Other names: c.1244G>A (NM_000153.3); c.1175G>A, p.Gly392Glu (NM_001201401.2); c.1166G>A, p.Gly389Glu (NM_001201402.2); short protein forms G389E, G392E, G415E.
Identifiers: ClinVar variation 1334157 (VCV001334157.16), dbSNP rs1365128831, ClinGen allele CA390746917.